The following is an entry in ClinVar:

NM_000426.4(LAMA2):c.9210A>G (p.Pro3070=)

Gene: LAMA2 (laminin subunit alpha 2; plus strand). Cytogenetic location: 6q22.33.
Variant type: single nucleotide variant.
Coding change: c.9210A>G on transcript NM_000426.4 (MANE Select); coding-DNA position 9210, A replaced by G.
Protein change: p.Pro3070=; no amino-acid change (proline 3070 retained).
Molecular consequence: synonymous variant.
Genome position (GRCh38, 1-based): chr6:129,514,594, A>G. VCF-style: chr6-129514594-A-G. GRCh37 (hg19) VCF-style: chr6-129835739-A-G.
Other names: c.9198A>G, p.Pro3066= (NM_001079823.2).
Identifiers: ClinVar variation 2102917 (VCV002102917.1), dbSNP rs1786880403, ClinGen allele CA451936407.

ClinVar aggregate classification (germline): Uncertain significance (1 of 4 stars; one submission).

Conditions:
LAMA2-related muscular dystrophy (LAMA2-RD). Also called: Laminin alpha 2-related dystrophy. Identifiers: MedGen C5679788, MONDO:0100228.

gnomAD v4.1: 1 of 1,612,844 alleles (0.000062%); no homozygotes.

Submission:

Labcorp Genetics (formerly Invitae), Labcorp
Classification: Uncertain significance for LAMA2-related muscular dystrophy. Last evaluated: 2022-03-09. Review status: criteria provided, single submitter. Criteria: Invitae Variant Classification Sherloc (09022015). Collection method: clinical testing. Allele origin: germline.
Comment: This sequence change affects codon 3070 of the LAMA2 mRNA. It is a 'silent' change, meaning that it does not change the encoded amino acid sequence of the LAMA2 protein. It affects a nucleotide within the consensus splice site. This variant is not present in population databases (gnomAD no frequency). This variant has not been reported in the literature in individuals affected with LAMA2-related conditions. Algorithms developed to predict the effect of sequence changes on RNA splicing suggest that this variant is not likely to affect RNA splicing. In summary, the available evidence is currently insufficient to determine the role of this variant in disease. Therefore, it has been classified as a Variant of Uncertain Significance.